The following is an entry in ClinVar:

NM_007272.3(CTRC):c.324C>A (p.His108Gln)

Gene: CTRC (chymotrypsin C; plus strand). Cytogenetic location: 1p36.21.
Variant type: single nucleotide variant.
Coding change: c.324C>A on transcript NM_007272.3 (MANE Select); coding-DNA position 324, C replaced by A.
Protein change: p.His108Gln; replaces histidine 108 with glutamine.
Molecular consequence: missense variant.
Genome position (GRCh38, 1-based): chr1:15,442,540, C>A. VCF-style: chr1-15442540-C-A. GRCh37 (hg19) VCF-style: chr1-15769036-C-A.
Other names: short protein forms H108Q.
Identifiers: ClinVar variation 1729387 (VCV001729387.2), dbSNP rs770471626, ClinGen allele CA18251812.
Genomic context (GRCh38, chr1:15,442,540, plus strand): 5'-GAACAACCTGGAGGTGGAAGACGAAGAAGGATCCCTGTTTGTGGGTGTGGACACCATCCA[C>A]GTCCACAAGAGATGGAATGCCCTCCTGTTGCGGTGAGTGACAGACTGCCCATCCCACAGC-3'
Protein context (NP_009203.2, residues 98-118): GSLFVGVDTI[His108Gln]VHKRWNALLL

ClinVar aggregate classification (germline): Uncertain significance (1 of 4 stars; one submission).

Conditions:
Hereditary pancreatitis (PCTT). Also called: Hereditary chronic pancreatitis; PRSS1-Related Hereditary Pancreatitis. Identifiers: Orphanet 676, MedGen C0238339, MONDO:0008185, OMIM 167800.

Allele frequency attached by ClinVar (database versions not stated): TOPMed below 0.00001.

Submission:

Ambry Genetics
Classification: Uncertain significance for Hereditary pancreatitis. Last evaluated: 2021-06-23. Review status: criteria provided, single submitter. Criteria: Ambry Variant Classification Scheme 2023. Collection method: clinical testing. Allele origin: germline.
Comment: The p.H108Q variant (also known as c.324C>A), located in coding exon 4 of the CTRC gene, results from a C to A substitution at nucleotide position 324. The histidine at codon 108 is replaced by glutamine, an amino acid with highly similar properties. This amino acid position is conserved. In addition, this alteration is predicted to be tolerated by in silico analysis. Since supporting evidence is limited at this time, the clinical significance of this alteration remains unclear.